The following is an entry in ClinVar:

NM_024426.6(WT1):c.496A>G (p.Thr166Ala)

Genes: WT1 (WT1 transcription factor; minus strand), LOC107982234 (WT1/WT1-AS bi-directional promoter region; plus strand). Cytogenetic location: 11p13.
Variant type: single nucleotide variant.
Coding change: c.496A>G on transcript NM_024426.6 (MANE Select); coding-DNA position 496, A replaced by G.
Protein change: p.Thr166Ala; replaces threonine 166 with alanine.
Molecular consequence: missense variant. On other transcripts: non-coding transcript variant (1).
Genome position (GRCh38, 1-based): chr11:32,434,865, T>C on the plus strand (A>G on the coding strand, the complement: WT1 is on the minus strand). VCF-style: chr11-32434865-T-C. GRCh37 (hg19) VCF-style: chr11-32456411-T-C.
Other names: c.481A>G (NM_024426.4); c.496A>G, p.Thr166Ala (NM_000378.6, NM_024424.5); short protein forms T166A.
Identifiers: ClinVar variation 1041015 (VCV001041015.10), dbSNP rs1853443725, ClinGen allele CA379964879.

ClinVar aggregate classification (germline): Uncertain significance. Review status: criteria provided, multiple submitters, no conflicts (2 of 4 stars). 2 submissions from 2 submitters: Uncertain significance (2). Last evaluated 2026-04-29.

Conditions:
Inborn genetic diseases. Identifiers: MedGen C0950123, MeSH D030342.
Drash syndrome (DDS). Also called: NEPHROPATHY, WILMS TUMOR, AND GENITAL ANOMALIES; WILMS TUMOR AND PSEUDO- OR TRUE HERMAPHRODITISM. Identifiers: Orphanet 220, MedGen C0950121, MONDO:0008682, OMIM 194080.
Wilms tumor 1 (WT1). Also called: Wilms tumor, somatic. Identifiers: Orphanet 654, MedGen CN033288, MONDO:0008679, OMIM 194070.
11p partial monosomy syndrome (WAGR). Also called: CHROMOSOME 11p13 DELETION SYNDROME; WAGR Spectrum Disorder; WAGR syndrome; WAGR Complex. Identifiers: Orphanet 893, MedGen C0206115, MONDO:0008681, OMIM 194072.
Frasier syndrome. Identifiers: Orphanet 347, MedGen C0950122, MeSH D052159, MONDO:0007635, OMIM 136680.

Submissions (2):

Ambry Genetics
Classification: Uncertain significance for Inborn genetic diseases. Last evaluated: 2026-04-29. Review status: criteria provided, single submitter. Criteria: Ambry Variant Classification Scheme 2023. Collection method: clinical testing. Allele origin: germline.
Comment: The p.T161A variant (also known as c.481A>G), located in coding exon 1 of the WT1 gene, results from an A to G substitution at nucleotide position 481. The threonine at codon 161 is replaced by alanine, an amino acid with similar properties. This amino acid position is highly conserved in available vertebrate species. In addition, the in silico prediction for this alteration is inconclusive. Based on the available evidence, the clinical significance of this variant remains unclear.

Labcorp Genetics (formerly Invitae), Labcorp
Classification: Uncertain significance for Wilms tumor 1; Drash syndrome; 11p partial monosomy syndrome; Frasier syndrome. Last evaluated: 2025-09-03. Review status: criteria provided, single submitter. Criteria: Invitae Variant Classification Sherloc (09022015). Collection method: clinical testing. Allele origin: germline.
Comment: This sequence change replaces threonine, which is neutral and polar, with alanine, which is neutral and non-polar, at codon 161 of the WT1 protein (p.Thr161Ala). This variant is not present in population databases (gnomAD no frequency). This variant has not been reported in the literature in individuals affected with WT1-related conditions. ClinVar contains an entry for this variant (Variation ID: 1041015). Invitae Evidence Modeling of protein sequence and biophysical properties (such as structural, functional, and spatial information, amino acid conservation, physicochemical variation, residue mobility, and thermodynamic stability) indicates that this missense variant is expected to disrupt WT1 protein function with a positive predictive value of 80%. In summary, the available evidence is currently insufficient to determine the role of this variant in disease. Therefore, it has been classified as a Variant of Uncertain Significance.